The following is an entry in ClinVar:

NM_022124.6(CDH23):c.9904G>A (p.Glu3302Lys)

Gene: CDH23 (cadherin related 23; plus strand). Cytogenetic location: 10q22.1.
Variant type: single nucleotide variant.
Coding change: c.9904G>A on transcript NM_022124.6 (MANE Select); coding-DNA position 9904, G replaced by A.
Protein change: p.Glu3302Lys; replaces glutamic acid 3302 with lysine.
Molecular consequence: missense variant.
Genome position (GRCh38, 1-based): chr10:71,815,117, G>A. VCF-style: chr10-71815117-G-A. GRCh37 (hg19) VCF-style: chr10-73574874-G-A.
Other names: c.3184G>A, p.Glu1062Lys (NM_001171933.1); c.3079G>A, p.Glu1027Lys (NM_001171934.1); c.595G>A, p.Glu199Lys (NM_001171935.1); c.490G>A, p.Glu164Lys (NM_001171936.1); short protein forms E3302K, E1062K, E199K, E1027K, E164K.
Identifiers: ClinVar variation 228512 (VCV000228512.17), dbSNP rs368743687, ClinGen allele CA5547207.

ClinVar aggregate classification (germline): Uncertain significance. Review status: criteria provided, multiple submitters, no conflicts (2 of 4 stars). 9 submissions from 9 submitters: Uncertain significance (8). 1 of the submissions does not count toward it. Last evaluated 2026-03-10.

Conditions:
Autosomal recessive nonsyndromic hearing loss 12. Also called: DEAFNESS, AUTOSOMAL RECESSIVE 12. Identifiers: Orphanet 90636, MedGen C1832394, MONDO:0011067, OMIM 601386.
Pituitary adenoma 5, multiple types. Identifiers: MedGen C4539685, MONDO:0054601, OMIM 617540.
Usher syndrome type 1D (USH1D). Also called: USHER SYNDROME, TYPE ID. Identifiers: Orphanet 231169, Orphanet 886, MedGen C1832845, MONDO:0010984, OMIM 601067.
CDH23-related disorder. Also called: CDH23-related condition; CDH23-related disorders.
Usher syndrome type 1 (USH1). Also called: RETINITIS PIGMENTOSA AND CONGENITAL DEAFNESS. Identifiers: Orphanet 231169, Orphanet 886, MedGen C1568247, MONDO:0010168, OMIM 276900.

Allele frequency attached by ClinVar (database versions not stated): gnomAD exomes 0.00005; TOPMed 0.00005; gnomAD 0.00006; ExAC 0.00007; ESP Exome Variant Server 0.00016; 1000 Genomes Project 30x 0.00031.
gnomAD v4.1: 90 of 1,611,186 alleles (0.0056%); highest among the groups gnomAD compares: African/African-American, 0.0093%; no homozygotes.

Submissions (9):

PreventionGenetics, part of Exact Sciences
Classification: Uncertain significance for CDH23-related condition. Last evaluated: 2026-03-10. Review status: criteria provided, single submitter. Criteria: ACMG Guidelines, 2015. Collection method: clinical testing. Allele origin: germline.
Comment: The CDH23 c.9904G>A variant is predicted to result in the amino acid substitution p.Glu3302Lys. This variant was previously reported, along with a second potentally causative variant in the same gene, in an individual with hearing loss (Zhou et al. 2025. PubMed ID: 40322553). This variant was reported in an individual with Usher syndrome; however, a second potentially causative variant was not detected (Besnard et al. 2014. PubMed ID: 24498627). This variant was also described in a large cohort of individuals with hearing loss (supplementary data, Usami et al. 2021. PubMed ID: 34599366). This variant is reported in 0.011% of alleles in individuals of East Asian descent in gnomAD. At this time, the clinical significance of this variant is uncertain due to the absence of conclusive functional and genetic evidence.

Blueprint Genetics
Classification: Uncertain significance. Last evaluated: 2024-10-03. Review status: criteria provided, single submitter. Criteria: ACMG Guidelines, 2015. Collection method: clinical testing. Allele origin: germline.

Fulgent Genetics
Classification: Uncertain significance for Usher syndrome type 1D; Autosomal recessive nonsyndromic hearing loss 12; Pituitary adenoma 5, multiple types. Last evaluated: 2024-04-23. Review status: criteria provided, single submitter. Criteria: ACMG Guidelines, 2015. Collection method: clinical testing. Allele origin: germline.

GeneDx
Classification: Uncertain significance. Last evaluated: 2023-11-27. Review status: criteria provided, single submitter. Criteria: GeneDx Variant Classification Process June 2021. Collection method: clinical testing. Allele origin: germline. Affected: yes.
Comment: Identified in a patient with Usher syndrome in published literature, however, a second CDH23 variant was not identified (PMID: 24498627); In silico analysis supports that this missense variant does not alter protein structure/function; This variant is associated with the following publications: (PMID: 24498627)

Labcorp Genetics (formerly Invitae), Labcorp
Classification: Uncertain significance. Last evaluated: 2022-07-23. Review status: criteria provided, single submitter. Criteria: Invitae Variant Classification Sherloc (09022015). Collection method: clinical testing. Allele origin: germline.
Comment: This sequence change replaces glutamic acid, which is acidic and polar, with lysine, which is basic and polar, at codon 3302 of the CDH23 protein (p.Glu3302Lys). This variant is present in population databases (rs368743687, gnomAD 0.01%). This variant has not been reported in the literature in individuals affected with CDH23-related conditions. ClinVar contains an entry for this variant (Variation ID: 228512). Algorithms developed to predict the effect of missense changes on protein structure and function are either unavailable or do not agree on the potential impact of this missense change (SIFT: "Deleterious"; PolyPhen-2: "Not Available"; Align-GVGD: "Class C0"). In summary, the available evidence is currently insufficient to determine the role of this variant in disease. Therefore, it has been classified as a Variant of Uncertain Significance.

Women's Health and Genetics/Laboratory Corporation of America, LabCorp
Classification: Uncertain significance. Last evaluated: 2021-11-18. Review status: criteria provided, single submitter. Criteria: LabCorp Variant Classification Summary - May 2015. Collection method: clinical testing. Allele origin: germline.
Comment: Variant summary: CDH23 c.9904G>A (p.Glu3302Lys) results in a conservative amino acid change in the encoded protein sequence. Four of five in-silico tools predict a damaging effect of the variant on protein function. The variant allele was found at a frequency of 5e-05 in 241642 control chromosomes (gnomAD). This frequency is not higher than expected for a pathogenic variant in CDH23 causing Usher Syndrome (5e-05 vs 0.0032), allowing no conclusion about variant significance. c.9904G>A has been reported in the literature in a heterozygous individual affected with Usher Syndrome (Besnard_2014). This report does not provide unequivocal conclusions about association of the variant with Usher Syndrome. To our knowledge, no experimental evidence demonstrating an impact on protein function has been reported. Three ClinVar submitters (evaluation after 2014) cite the variant as uncertain significance. Based on the evidence outlined above, the variant was classified as uncertain significance.

Baylor Genetics
Classification: Uncertain significance for Autosomal recessive nonsyndromic hearing loss 12. Last evaluated: 2019-08-21. Review status: criteria provided, single submitter. Criteria: ACMG Guidelines, 2015. Collection method: clinical testing. Allele origin: unknown. Affected: yes.
Comment: This variant was determined to be of uncertain significance according to ACMG Guidelines, 2015 [PMID:25741868].

Laboratory for Molecular Medicine, Mass General Brigham Personalized Medicine
Classification: Uncertain significance. Last evaluated: 2015-01-26. Review status: criteria provided, single submitter. Criteria: LMM Criteria. Collection method: clinical testing. Allele origin: germline. Observed: 1 variant allele.
Comment: The p.Glu3302Lys variant in CDH23 has been previously reported in 1 individual w ith Usher syndrome type I; however a second variant in CDH23 was not identified in that individual (Besnard 2014). It has also been identified in 2/57864 Europe an chromosomes and 4/22950 Asian chromosomes by the Exome Aggregation Consortium (ExAC; dbSNP rs368743687). Although this varian t has been seen in the general population, its frequency is not high enough to r ule out a pathogenic role. Computational prediction tools and conservation analy sis suggest that this variant may impact the protein, though this information is not predictive enough to determine pathogenicity. In summary, the clinical sign ificance of the p.Glu3302Lys variant is uncertain.

Natera, Inc.
Classification: Uncertain significance for Usher syndrome type 1. Last evaluated: 2020-03-22. Review status: no assertion criteria provided. Collection method: clinical testing. Allele origin: germline. Not counted in ClinVar's aggregate classification.

Literature cited by the submitters: PubMed 24498627 (cited by Women's Health and Genetics/Laboratory Corporation of America, LabCorp and Laboratory for Molecular Medicine, Mass General Brigham Personalized Medicine); PubMed 25605338 (cited by Women's Health and Genetics/Laboratory Corporation of America, LabCorp).